The following is an entry in ClinVar:

ClinVar aggregate classification (germline): Benign. Review status: criteria provided, multiple submitters, no conflicts (2 of 4 stars). 2 submissions from 2 submitters: Benign (2). Last evaluated 2018-06-19.

Allele frequency attached by ClinVar (database versions not stated): gnomAD 0.28345 and 0.29231; TOPMed 0.29895; 1000 Genomes Project 0.30371; 1000 Genomes Project 30x 0.31199.
gnomAD v4.1: 75,214 of 324,912 alleles (23%); highest among the groups gnomAD compares: African/African-American, 57%; 12,177 homozygotes.

Submissions (2):

GeneDx
Classification: Benign. Last evaluated: 2018-06-19. Review status: criteria provided, single submitter. Criteria: GeneDx Variant Classification (06012015). Collection method: clinical testing. Allele origin: germline. Affected: yes.
Comment: This variant is considered likely benign or benign based on one or more of the following criteria: it is a conservative change, it occurs at a poorly conserved position in the protein, it is predicted to be benign by multiple in silico algorithms, and/or has population frequency not consistent with disease.

Breakthrough Genomics
Classification: Benign. Review status: criteria provided, single submitter. Criteria: ACMG Guidelines, 2015. Collection method: not provided. Allele origin: germline. Inheritance: Autosomal recessive inheritance. Affected: yes.

NM_001199397.3(NEK1):c.1562+299C>G

Gene: NEK1 (NIMA related kinase 1; minus strand). Cytogenetic location: 4q33.
Variant type: single nucleotide variant.
Coding change: c.1562+299C>G on transcript NM_001199397.3 (MANE Select); 299 bases into the intron after coding-DNA position 1562, C replaced by G.
Molecular consequence: intron variant.
Genome position (GRCh38, 1-based): chr4:169,555,421, G>C on the plus strand (C>G on the coding strand, the complement: NEK1 is on the minus strand). VCF-style: chr4-169555421-G-C. GRCh37 (hg19) VCF-style: chr4-170476572-G-C.
Other names: c.1436+299C>G (NM_001374421.1); c.1511+299C>G (NM_001374420.1); c.1355+511C>G (NM_001199399.3); c.1430+511C>G (NM_001199398.3, NM_001199400.3); c.1562+299C>G (NM_001374419.1, NM_012224.4, NM_001374418.1).
Identifiers: ClinVar variation 667925 (VCV000667925.2), dbSNP rs10027406, ClinGen allele CA11667754.